The following is an entry in ClinVar:

NM_024675.4(PALB2):c.1684+10G>A

Gene: PALB2 (partner and localizer of BRCA2; minus strand). Cytogenetic location: 16p12.2.
Variant type: single nucleotide variant.
Coding change: c.1684+10G>A on transcript NM_024675.4 (MANE Select); 10 bases into the intron after coding-DNA position 1684, G replaced by A.
Molecular consequence: intron variant.
Genome position (GRCh38, 1-based): chr16:23,634,852, C>T on the plus strand (G>A on the coding strand, the complement: PALB2 is on the minus strand). VCF-style: chr16-23634852-C-T. GRCh37 (hg19) VCF-style: chr16-23646173-C-T.
Identifiers: ClinVar variation 381871 (VCV000381871.15), dbSNP rs1057517620, ClinGen allele CA16607216.

ClinVar aggregate classification (germline): Likely benign. Review status: criteria provided, multiple submitters, no conflicts (2 of 4 stars). 5 submissions from 5 submitters: Likely benign (5). Last evaluated 2025-10-07.

Conditions:
Hereditary cancer-predisposing syndrome. Also called: Tumor predisposition; Neoplastic Syndromes, Hereditary; Hereditary neoplastic syndrome; Hereditary Cancer Syndrome. Identifiers: Orphanet 140162, MedGen C0027672, MeSH D009386, MONDO:0015356.
Familial cancer of breast. Also called: BREAST CANCER, FAMILIAL; Hereditary breast cancer; hereditary breast carcinoma. Identifiers: Orphanet 227535, MedGen C0346153, MONDO:0016419, OMIM 114480. Disease mechanism: loss of function.

Allele frequency attached by ClinVar (database versions not stated): gnomAD exomes below 0.00001.
gnomAD v4.1: 6 of 1,610,270 alleles (0.00037%); highest among the groups gnomAD compares: Non-Finnish European, 0.00042%; no homozygotes.

Submissions (5):

Labcorp Genetics (formerly Invitae), Labcorp
Classification: Likely benign for Familial cancer of breast. Last evaluated: 2025-10-07. Review status: criteria provided, single submitter. Criteria: Invitae Variant Classification Sherloc (09022015). Collection method: clinical testing. Allele origin: germline.

Myriad Genetics, Inc.
Classification: Likely benign for Familial cancer of breast. Last evaluated: 2025-01-14. Review status: criteria provided, single submitter. Criteria: Myriad Autosomal Dominant, Autosomal Recessive and X-Linked Classification Criteria (2023). Collection method: clinical testing. Allele origin: unknown.
Comment: This variant is considered likely benign. This variant is intronic and is not expected to impact mRNA splicing.

Blueprint Genetics
Classification: Likely benign. Last evaluated: 2024-09-10. Review status: criteria provided, single submitter. Criteria: ACMG Guidelines, 2015. Collection method: clinical testing. Allele origin: germline.

Color Diagnostics, LLC DBA Color Health
Classification: Likely benign for Hereditary cancer-predisposing syndrome. Last evaluated: 2016-12-08. Review status: criteria provided, single submitter. Criteria: ACMG Guidelines, 2015. Collection method: clinical testing. Allele origin: germline.

GeneDx
Classification: Likely benign. Last evaluated: 2015-11-18. Review status: criteria provided, single submitter. Criteria: GeneDx Variant Classification (06012015). Collection method: clinical testing. Allele origin: germline. Affected: yes.
Comment: This variant is considered likely benign or benign based on one or more of the following criteria: it is a conservative change, it occurs at a poorly conserved position in the protein, it is predicted to be benign by multiple in silico algorithms, and/or has population frequency not consistent with disease.